The following is an entry in ClinVar:

ClinVar aggregate classification (germline): Uncertain significance (1 of 4 stars; one submission).

Allele frequency attached by ClinVar (database versions not stated): gnomAD exomes below 0.00001; ExAC 0.00001.
gnomAD v4.1: 2 of 1,614,096 alleles (0.00012%); highest among the groups gnomAD compares: Non-Finnish European, 0.00017%; no homozygotes.

Submission:

Labcorp Genetics (formerly Invitae), Labcorp
Classification: Uncertain significance. Last evaluated: 2022-05-13. Review status: criteria provided, single submitter. Criteria: Invitae Variant Classification Sherloc (09022015). Collection method: clinical testing. Allele origin: germline.
Comment: Algorithms developed to predict the effect of missense changes on protein structure and function (SIFT, PolyPhen-2, Align-GVGD) all suggest that this variant is likely to be disruptive. In summary, the available evidence is currently insufficient to determine the role of this variant in disease. Therefore, it has been classified as a Variant of Uncertain Significance. This variant has not been reported in the literature in individuals affected with SZT2-related conditions. This sequence change replaces glutamic acid, which is acidic and polar, with glycine, which is neutral and non-polar, at codon 964 of the SZT2 protein (p.Glu964Gly). This variant is present in population databases (rs753823554, gnomAD 0.002%).

NM_001365999.1(SZT2):c.2891A>G (p.Glu964Gly)

Gene: SZT2 (SZT2 subunit of KICSTOR complex; plus strand). Cytogenetic location: 1p34.2.
Variant type: single nucleotide variant.
Coding change: c.2891A>G on transcript NM_001365999.1 (MANE Select); coding-DNA position 2891, A replaced by G.
Protein change: p.Glu964Gly; replaces glutamic acid 964 with glycine.
Molecular consequence: missense variant.
Genome position (GRCh38, 1-based): chr1:43,425,911, A>G. VCF-style: chr1-43425911-A-G. GRCh37 (hg19) VCF-style: chr1-43891582-A-G.
Other names: c.2891A>G, p.Glu964Gly (NM_015284.4); short protein forms E964G.
Identifiers: ClinVar variation 1928440 (VCV001928440.5), dbSNP rs753823554, ClinGen allele CA808839.